The following is an entry in ClinVar:

NM_005751.5(AKAP9):c.6639A>T (p.Glu2213Asp)

Gene: AKAP9 (A-kinase anchoring protein 9; plus strand). Cytogenetic location: 7q21.2.
Variant type: single nucleotide variant.
Coding change: c.6639A>T on transcript NM_005751.5 (MANE Select); coding-DNA position 6639, A replaced by T.
Protein change: p.Glu2213Asp; replaces glutamic acid 2213 with aspartic acid.
Molecular consequence: missense variant.
Genome position (GRCh38, 1-based): chr7:92,076,881, A>T. VCF-style: chr7-92076881-A-T. GRCh37 (hg19) VCF-style: chr7-91706195-A-T.
Other names: c.1284A>T, p.Glu428Asp (NM_001379277.1); c.6615A>T, p.Glu2205Asp (NM_147185.3); short protein forms E428D, E2205D, E2213D.
Identifiers: ClinVar variation 1754600 (VCV001754600.2), dbSNP rs2535236358, ClinGen allele CA368132818.

ClinVar aggregate classification (germline): Uncertain significance (1 of 4 stars; one submission).

Conditions:
Cardiovascular phenotype. Identifiers: MedGen CN230736.

Submission:

Ambry Genetics
Classification: Uncertain significance for Cardiovascular phenotype. Last evaluated: 2021-11-19. Review status: criteria provided, single submitter. Criteria: Ambry Variant Classification Scheme 2023. Collection method: clinical testing. Allele origin: germline.
Comment: The p.E2213D variant (also known as c.6639A>T), located in coding exon 29 of the AKAP9 gene, results from an A to T substitution at nucleotide position 6639. The glutamic acid at codon 2213 is replaced by aspartic acid, an amino acid with highly similar properties. This amino acid position is conserved. In addition, this alteration is predicted to be tolerated by in silico analysis. Since supporting evidence is limited at this time, the clinical significance of this alteration remains unclear.